The following is an entry in ClinVar:

NM_138383.3(MTSS2):c.252C>T (p.Arg84=)

Gene: MTSS2 (MTSS I-BAR domain containing 2; minus strand). Cytogenetic location: 16q22.1.
Variant type: single nucleotide variant.
Coding change: c.252C>T on transcript NM_138383.3 (MANE Select); coding-DNA position 252, C replaced by T.
Protein change: p.Arg84=; no amino-acid change (arginine 84 retained).
Molecular consequence: synonymous variant.
Genome position (GRCh38, 1-based): chr16:70,680,009, G>A on the plus strand (C>T on the coding strand, the complement: MTSS2 is on the minus strand). VCF-style: chr16-70680009-G-A. GRCh37 (hg19) VCF-style: chr16-70713912-G-A.
Identifiers: ClinVar variation 4874403 (VCV004874403.2).

ClinVar aggregate classification (germline): Likely benign (1 of 4 stars; one submission).

gnomAD v4.1: 40 of 1,542,384 alleles (0.0026%); highest among the groups gnomAD compares: Admixed American, 0.071%; no homozygotes.

Submission:

CeGaT Center for Human Genetics Tuebingen
Classification: Likely benign. Last evaluated: 2026-06-01. Review status: criteria provided, single submitter. Criteria: CeGaT Center For Human Genetics Tuebingen Variant Classification Criteria Version 2. Collection method: clinical testing. Allele origin: germline. Affected: yes. Observed: 1 variant allele.
Comment: MTSS2: BP4, BP7